The following is an entry in ClinVar:

ClinVar aggregate classification (germline): Uncertain significance (1 of 4 stars; one submission).

Conditions:
Autosomal dominant nonsyndromic hearing loss 69. Also called: Deafness, autosomal dominant 69; Deafness, autosomal dominant 69, unilateral or asymmetric. Identifiers: Orphanet 90635, MedGen C4225241, MONDO:0014738, OMIM 616697.

Submission:

Laboratory of Molecular, Cellular and Translation Genetics in Otolaryngology/ Lim32-hcfmusp, University of Sao Paulo School of Medicine Clinics Hospital
Classification: Uncertain significance for Autosomal dominant nonsyndromic hearing loss 69. Last evaluated: 2026-04-30. Review status: criteria provided, single submitter. Criteria: ACMG Guidelines, 2015. Collection method: research. Allele origin: germline. Affected: yes.
Comment: NC_000012.11(NM_181783.4):c.-25482_*384629del (EX1-EX10 del). This copy number variant has been classified as a variant of uncertain significance (VUS). The deletion encompasses protein-coding and other functionally relevant genomic elements (ClinGen CNV scoring category 1A). It partially overlaps an established haploinsufficient/loss-of-function-sensitive genomic region but does not fully encompass the known critical region or established causative gene associated with the syndrome (ClinGen CNV scoring category 2B). In addition, the CNV partially overlaps the 5′ end of an established haploinsufficient/loss-of-function-sensitive gene (ClinGen CNV scoring category 2C). The number of protein-coding RefSeq genes wholly or partially included within the deleted region is fewer than 25 (ClinGen CNV scoring category 3A).

Literature cited by the submitters: PubMed 42233699.

NC_000012.11:g.88510811_88974055del

Genes: CEP290 (centrosomal protein 290; minus strand), KITLG (KIT ligand; minus strand), TMTC3 (transmembrane O-mannosyltransferase targeting cadherins 3; plus strand). Cytogenetic location: 12q21.32.
Variant type: Deletion.
Identifiers: ClinVar variation 4852126 (VCV004852126.2).